The following is an entry in ClinVar:

ClinVar aggregate classification (germline): Uncertain significance. Review status: criteria provided, multiple submitters, no conflicts (2 of 4 stars). 2 submissions from 2 submitters: Uncertain significance (2). Last evaluated 2023-10-10.

Submissions (2):

Ambry Genetics
Classification: Uncertain significance. Last evaluated: 2023-10-10. Review status: criteria provided, single submitter. Criteria: Ambry Variant Classification Scheme 2023. Collection method: clinical testing. Allele origin: germline.
Comment: The p.V79A variant (also known as c.236T>C), located in coding exon 3 of the RECQL gene, results from a T to C substitution at nucleotide position 236. The valine at codon 79 is replaced by alanine, an amino acid with similar properties. This amino acid position is highly conserved in available vertebrate species. In addition, the in silico prediction for this alteration is inconclusive. The evidence for this gene-disease relationship is limited; therefore, the clinical significance of this alteration is unclear.

Labcorp Genetics (formerly Invitae), Labcorp
Classification: Uncertain significance. Last evaluated: 2022-04-12. Review status: criteria provided, single submitter. Criteria: Invitae Variant Classification Sherloc (09022015). Collection method: clinical testing. Allele origin: germline.
Comment: Algorithms developed to predict the effect of missense changes on protein structure and function are either unavailable or do not agree on the potential impact of this missense change (SIFT: "Tolerated"; PolyPhen-2: "Possibly Damaging"; Align-GVGD: "Class C0"). In summary, the available evidence is currently insufficient to determine the role of this variant in disease. Therefore, it has been classified as a Variant of Uncertain Significance. This variant has not been reported in the literature in individuals affected with RECQL-related conditions. This variant is not present in population databases (gnomAD no frequency). This sequence change replaces valine, which is neutral and non-polar, with alanine, which is neutral and non-polar, at codon 79 of the RECQL protein (p.Val79Ala).

NM_002907.4(RECQL):c.236T>C (p.Val79Ala)

Gene: RECQL (RecQ like helicase; minus strand). Cytogenetic location: 12p12.1.
Variant type: single nucleotide variant.
Coding change: c.236T>C on transcript NM_002907.4 (MANE Select); coding-DNA position 236, T replaced by C.
Protein change: p.Val79Ala; replaces valine 79 with alanine.
Molecular consequence: missense variant.
Genome position (GRCh38, 1-based): chr12:21,490,357, A>G on the plus strand (T>C on the coding strand, the complement: RECQL is on the minus strand). VCF-style: chr12-21490357-A-G. GRCh37 (hg19) VCF-style: chr12-21643291-A-G.
Other names: c.236T>C (NM_002907.3); c.236T>C, p.Val79Ala (NM_032941.3); short protein forms V79A.
Identifiers: ClinVar variation 2125562 (VCV002125562.5), dbSNP rs2540400517, ClinGen allele CA384133538.
Genomic context (GRCh38, chr12:21,490,357, plus strand): 5'-GTTTCAAGCTGAAGTGGTCTGAACTTTTCCAGTTTAAAGACATTTTGCAGAATATCTTTA[A>G]CTTTACCAGACCATGGAAAATCTAGGAAAAGAAAGTTAAGAATCAGACAAACATGTAAGA-3'
Protein context (NP_002898.2, residues 69-89): NKEDFPWSGK[Val79Ala]KDILQNVFKL